The following is an entry in ClinVar:

ClinVar aggregate classification (germline): Uncertain significance. Review status: criteria provided, multiple submitters, no conflicts (2 of 4 stars). 2 submissions from 2 submitters: Uncertain significance (2). Last evaluated 2025-10-15.

Conditions:
Inborn genetic diseases. Identifiers: MedGen C0950123, MeSH D030342.

Allele frequency attached by ClinVar (database versions not stated): ExAC 0.00001; gnomAD 0.00002; TOPMed 0.00003; ESP Exome Variant Server 0.00008.
gnomAD v4.1: 28 of 1,614,022 alleles (0.0017%); highest among the groups gnomAD compares: African/African-American, 0.0053%; no homozygotes.

Submissions (2):

Ambry Genetics
Classification: Uncertain significance for Inborn genetic diseases. Last evaluated: 2025-10-15. Review status: criteria provided, single submitter. Criteria: Ambry Variant Classification Scheme 2023. Collection method: clinical testing. Allele origin: germline.

Labcorp Genetics (formerly Invitae), Labcorp
Classification: Uncertain significance. Last evaluated: 2022-07-26. Review status: criteria provided, single submitter. Criteria: Invitae Variant Classification Sherloc (09022015). Collection method: clinical testing. Allele origin: germline.
Comment: In summary, the available evidence is currently insufficient to determine the role of this variant in disease. Therefore, it has been classified as a Variant of Uncertain Significance. Algorithms developed to predict the effect of missense changes on protein structure and function are either unavailable or do not agree on the potential impact of this missense change (SIFT: "Tolerated"; PolyPhen-2: "Possibly Damaging"; Align-GVGD: "Class C0"). ClinVar contains an entry for this variant (Variation ID: 1504543). This variant has not been reported in the literature in individuals affected with LRRK1-related conditions. This variant is present in population databases (rs199919214, gnomAD 0.0009%). This sequence change replaces valine, which is neutral and non-polar, with methionine, which is neutral and non-polar, at codon 721 of the LRRK1 protein (p.Val721Met).

NM_024652.6(LRRK1):c.2161G>A (p.Val721Met)

Gene: LRRK1 (leucine rich repeat kinase 1; plus strand). Cytogenetic location: 15q26.3.
Variant type: single nucleotide variant.
Coding change: c.2161G>A on transcript NM_024652.6 (MANE Select); coding-DNA position 2161, G replaced by A.
Protein change: p.Val721Met; replaces valine 721 with methionine.
Molecular consequence: missense variant.
Genome position (GRCh38, 1-based): chr15:101,024,896, G>A. VCF-style: chr15-101024896-G-A. GRCh37 (hg19) VCF-style: chr15-101565101-G-A.
Other names: c.2161G>A (NM_024652.3); short protein forms V721M.
Identifiers: ClinVar variation 1504543 (VCV001504543.9), dbSNP rs199919214, ClinGen allele CA7761143.
Genomic context (GRCh38, chr15:101,024,896, plus strand): 5'-GGGGGACCGGCCAGCATGGCCACTGTCAACCAGTGCTTCTTCACGGACAAGGCCCTGTAC[G>A]TGGTGGTCTGGAACCTGGCGCTGGGGGAGGAGGCCGTGGCCAACCTCCAGTTCTGGCTGC-3'
Protein context (NP_078928.3, residues 711-731): QCFFTDKALY[Val721Met]VVWNLALGEE